The following is an entry in ClinVar:

ClinVar aggregate classification (germline): Uncertain significance (1 of 4 stars; one submission).

Submission:

GeneDx
Classification: Uncertain significance. Last evaluated: 2023-12-12. Review status: criteria provided, single submitter. Criteria: GeneDx Variant Classification Process June 2021. Collection method: clinical testing. Allele origin: germline. Affected: yes.
Comment: Not observed at significant frequency in large population cohorts (gnomAD); In silico analysis supports that this missense variant has a deleterious effect on protein structure/function; Missense variants in this gene are a common cause of disease and they are underrepresented in the general population; This variant is associated with the following publications: (PMID: 29493581, 33726816)

NM_005633.4(SOS1):c.952C>A (p.Pro318Thr)

Gene: SOS1 (SOS Ras/Rac guanine nucleotide exchange factor 1; minus strand). Cytogenetic location: 2p22.1.
Variant type: single nucleotide variant.
Coding change: c.952C>A on transcript NM_005633.4 (MANE Select); coding-DNA position 952, C replaced by A.
Protein change: p.Pro318Thr; replaces proline 318 with threonine.
Molecular consequence: missense variant.
Genome position (GRCh38, 1-based): chr2:39,035,413, G>T on the plus strand (C>A on the coding strand, the complement: SOS1 is on the minus strand). VCF-style: chr2-39035413-G-T. GRCh37 (hg19) VCF-style: chr2-39262554-G-T.
Other names: c.931C>A, p.Pro311Thr (NM_001382394.1); c.952C>A, p.Pro318Thr (NM_001382395.1); short protein forms P311T, P318T.
Identifiers: ClinVar variation 3338720 (VCV003338720.1).
Genomic context (GRCh38, chr2:39,035,413, plus strand): 5'-TCAGACATTGTACATCTTCATTTAAAAATTACTATACCTGCAAATAAAGTGCTGCCCCAG[G>T]CTTTGATAACTGACTAAGGAAACGATCATGAAAACCAGGTCGCAAAATATCTCGAGCATA-3'
Protein context (NP_005624.2, residues 308-328): HDRFLSQLSK[Pro318Thr]GAALYLQSIG